The following is an entry in ClinVar:

ClinVar aggregate classification (germline): Benign. Review status: criteria provided, multiple submitters, no conflicts (2 of 4 stars). 15 submissions from 15 submitters: Benign (11). 4 of the submissions do not count toward it. Last evaluated 2026-02-03.

Conditions:
Kabuki syndrome. Also called: NIIKAWA-KUROKI SYNDROME; Kabuki make-up syndrome. Identifiers: Orphanet 2322, MedGen C0796004, MONDO:0016512.

Allele frequency attached by ClinVar (database versions not stated): TOPMed 0.01960; ExAC 0.02771; gnomAD exomes 0.02757 and 0.02590; 1000 Genomes Project 30x 0.01577; ESP Exome Variant Server 0.02268; gnomAD 0.02422 and 0.02420; 1000 Genomes Project 0.01637.
gnomAD v4.1: 43,834 of 1,612,688 alleles (2.7%); highest among the groups gnomAD compares: Non-Finnish European, 2.9%; 733 homozygotes.

Submissions (15):

Labcorp Genetics (formerly Invitae), Labcorp
Classification: Benign for Kabuki syndrome. Last evaluated: 2026-02-03. Review status: criteria provided, single submitter. Criteria: Invitae Variant Classification Sherloc (09022015). Collection method: clinical testing. Allele origin: germline.

ARUP Laboratories, Molecular Genetics and Genomics, ARUP Laboratories
Classification: Benign. Last evaluated: 2025-06-23. Review status: criteria provided, single submitter. Criteria: ARUP Molecular Germline Variant Investigation Process 2024. Collection method: clinical testing. Allele origin: germline.

Mayo Clinic Laboratories, Mayo Clinic
Classification: Benign. Last evaluated: 2025-06-23. Review status: criteria provided, single submitter. Criteria: ACMG Guidelines, 2015. Collection method: clinical testing. Allele origin: germline. Observed: 3 variant alleles.
Comment: BA1, BP4

CeGaT Center for Human Genetics Tuebingen
Classification: Benign. Last evaluated: 2025-03-01. Review status: criteria provided, single submitter. Criteria: CeGaT Center For Human Genetics Tuebingen Variant Classification Criteria Version 2. Collection method: clinical testing. Allele origin: germline. Affected: yes. Observed: 1 variant allele.
Comment: KMT2D: BP4, BS1, BS2

Blueprint Genetics
Classification: Benign. Last evaluated: 2024-11-27. Review status: criteria provided, single submitter. Criteria: ACMG Guidelines, 2015. Collection method: clinical testing. Allele origin: germline.

GeneDx
Classification: Benign. Last evaluated: 2017-11-20. Review status: criteria provided, single submitter. Criteria: GeneDx Variant Classification (06012015). Collection method: clinical testing. Allele origin: germline. Affected: yes.
Comment: This variant is considered likely benign or benign based on one or more of the following criteria: it is a conservative change, it occurs at a poorly conserved position in the protein, it is predicted to be benign by multiple in silico algorithms, and/or has population frequency not consistent with disease.

Genomic Diagnostic Laboratory, Division of Genomic Diagnostics, Children's Hospital of Philadelphia
Classification: Benign. Last evaluated: 2014-12-31. Review status: criteria provided, single submitter. Criteria: DGD Variant Analysis Guidelines. Collection method: clinical testing. Allele origin: unknown.

Genetic Services Laboratory, University of Chicago
Classification: Benign. Last evaluated: 2013-02-08. Review status: criteria provided, single submitter. Criteria: ACMG Guidelines, 2007. Collection method: clinical testing. Allele origin: germline. Inheritance: Autosomal dominant inheritance.

Eurofins Ntd Llc (ga)
Classification: Benign. Last evaluated: 2012-07-06. Review status: criteria provided, single submitter. Criteria: EGL Classification Definitions 2015. Collection method: clinical testing. Allele origin: germline. Observed: 13 variant alleles, 13 heterozygotes.

Breakthrough Genomics
Classification: Benign. Review status: criteria provided, single submitter. Criteria: ACMG Guidelines, 2015. Collection method: not provided. Allele origin: germline. Inheritance: Autosomal dominant inheritance. Affected: yes.

PreventionGenetics, part of Exact Sciences
Classification: Benign. Review status: criteria provided, single submitter. Criteria: ACMG Guidelines, 2015. Collection method: clinical testing. Allele origin: germline.

ITMI
No classification provided. Condition: AllHighlyPenetrant. Last evaluated: 2013-09-19. Review status: no classification provided. Collection method: reference population. Allele origin: germline. Not counted in ClinVar's aggregate classification.
Comment: Please see associated publication for description of ethnicities

Clinical Genetics DNA and cytogenetics Diagnostics Lab, Erasmus MC, Erasmus Medical Center
Classification: Benign. Review status: no assertion criteria provided. Collection method: clinical testing. Allele origin: germline. Affected: yes. Study: VKGL Data-share Consensus. Not counted in ClinVar's aggregate classification.

Joint Genome Diagnostic Labs from Nijmegen and Maastricht, Radboudumc and MUMC+
Classification: Benign. Review status: no assertion criteria provided. Collection method: clinical testing. Allele origin: germline. Affected: yes. Study: VKGL Data-share Consensus. Not counted in ClinVar's aggregate classification.

Laboratory of Diagnostic Genome Analysis, Leiden University Medical Center (LUMC)
Classification: Likely benign. Review status: no assertion criteria provided. Collection method: clinical testing. Allele origin: germline. Affected: yes. Study: VKGL Data-share Consensus. Not counted in ClinVar's aggregate classification.

Literature cited by the submitters: PubMed 27058611 (cited by Mayo Clinic Laboratories, Mayo Clinic); PubMed 30459467 (cited by Mayo Clinic Laboratories, Mayo Clinic); PubMed 24728327 (cited by ITMI).

NM_003482.4(KMT2D):c.248G>A (p.Arg83Gln)

Gene: KMT2D (lysine methyltransferase 2D; minus strand). Cytogenetic location: 12q13.12.
Variant type: single nucleotide variant.
Coding change: c.248G>A on transcript NM_003482.4 (MANE Select); coding-DNA position 248, G replaced by A.
Protein change: p.Arg83Gln; replaces arginine 83 with glutamine.
Molecular consequence: missense variant.
Genome position (GRCh38, 1-based): chr12:49,054,680, C>T on the plus strand (G>A on the coding strand, the complement: KMT2D is on the minus strand). VCF-style: chr12-49054680-C-T. GRCh37 (hg19) VCF-style: chr12-49448463-C-T.
Other names: short protein forms R83Q.
Identifiers: ClinVar variation 94203 (VCV000094203.44), dbSNP rs55865069, ClinGen allele CA248666.
Genomic context (GRCh38, chr12:49,054,680, plus strand): 5'-GGGCTCCCCCCAGGGGACACCACTGGACACCGGGGCCAATCAAATGGCAACTCAAAGCGC[C>T]GTAGCTCCCGCTGCCCGTGTAGACTGGGCTCCCCGCAGTTACAGAGAGCACAACGCCGCA-3'
Protein context (NP_003473.3, residues 73-93): EPSLHGQREL[Arg83Gln]RFELPFDWPR